The following is an entry in ClinVar:

NM_001330078.2(NRXN1):c.1007A>G (p.Lys336Arg)

Gene: NRXN1 (neurexin 1; minus strand). Cytogenetic location: 2p16.3.
Variant type: single nucleotide variant.
Coding change: c.1007A>G on transcript NM_001330078.2 (MANE Select); coding-DNA position 1007, A replaced by G.
Protein change: p.Lys336Arg; replaces lysine 336 with arginine.
Molecular consequence: missense variant.
Genome position (GRCh38, 1-based): chr2:50,623,441, T>C on the plus strand (A>G on the coding strand, the complement: NRXN1 is on the minus strand). VCF-style: chr2-50623441-T-C. GRCh37 (hg19) VCF-style: chr2-50850579-T-C.
Other names: c.1106A>G, p.Lys369Arg (NM_001135659.3); c.1007A>G, p.Lys336Arg (NM_001330077.2, NM_001330082.2, NM_001330085.2 and 3 more transcripts); c.947A>G, p.Lys316Arg (NM_001330083.2, NM_001330084.2, NM_001330087.2 and 1 more transcripts); c.977A>G, p.Lys326Arg (NM_001330088.2); c.1004A>G, p.Lys335Arg (NM_001330093.2); c.995A>G, p.Lys332Arg (NM_001330094.2); short protein forms K332R, K335R, K326R, K316R, K336R, K369R.
Identifiers: ClinVar variation 2853858 (VCV002853858.3), dbSNP rs2466869801, ClinGen allele CA346822340.

ClinVar aggregate classification (germline): Uncertain significance (1 of 4 stars; one submission).

Conditions:
Pitt-Hopkins-like syndrome 2 (PTHSL2). Identifiers: Orphanet 221150, Orphanet 600663, MedGen C3280479, MONDO:0013690, OMIM 614325.

Allele frequency attached by ClinVar (database versions not stated): gnomAD exomes below 0.00001.
gnomAD v4.1: 1 of 1,613,498 alleles (0.000062%); highest among the groups gnomAD compares: Non-Finnish European, 0.000085%; no homozygotes.

Submission:

Labcorp Genetics (formerly Invitae), Labcorp
Classification: Uncertain significance for Pitt-Hopkins-like syndrome 2. Last evaluated: 2023-10-10. Review status: criteria provided, single submitter. Criteria: Invitae Variant Classification Sherloc (09022015). Collection method: clinical testing. Allele origin: germline.
Comment: This sequence change replaces lysine, which is basic and polar, with arginine, which is basic and polar, at codon 369 of the NRXN1 protein (p.Lys369Arg). This variant is not present in population databases (gnomAD no frequency). This variant has not been reported in the literature in individuals affected with NRXN1-related conditions. An algorithm developed to predict the effect of missense changes on protein structure and function (PolyPhen-2) suggests that this variant is likely to be tolerated. In summary, the available evidence is currently insufficient to determine the role of this variant in disease. Therefore, it has been classified as a Variant of Uncertain Significance.